The following is an entry in ClinVar:

NM_006306.4(SMC1A):c.2792A>G (p.Gln931Arg)

Gene: SMC1A (structural maintenance of chromosomes 1A; minus strand). Cytogenetic location: Xp11.22.
Variant type: single nucleotide variant.
Coding change: c.2792A>G on transcript NM_006306.4 (MANE Select); coding-DNA position 2792, A replaced by G.
Protein change: p.Gln931Arg; replaces glutamine 931 with arginine.
Molecular consequence: missense variant.
Genome position (GRCh38, 1-based): chrX:53,396,297, T>C on the plus strand (A>G on the coding strand, the complement: SMC1A is on the minus strand). VCF-style: chrX-53396297-T-C. GRCh37 (hg19) VCF-style: chrX-53423217-T-C.
Other names: c.2726A>G, p.Gln909Arg (NM_001281463.1); short protein forms Q909R, Q931R.
Identifiers: ClinVar variation 582909 (VCV000582909.7), dbSNP rs782728089, ClinGen allele CA10420403.

ClinVar aggregate classification (germline): Uncertain significance. Review status: criteria provided, multiple submitters, no conflicts (2 of 4 stars). 2 submissions from 2 submitters: Uncertain significance (2). Last evaluated 2024-06-22.

Conditions:
Developmental and epileptic encephalopathy, 85, with or without midline brain defects. Also called: EPILEPTIC ENCEPHALOPATHY, EARLY INFANTILE, 85, WITH OR WITHOUT MIDLINE BRAIN DEFECTS. Identifiers: MedGen C5393312, MONDO:0026771, OMIM 301044.
Congenital muscular hypertrophy-cerebral syndrome (CDLS2). Also called: SMC1A-Related Cornelia de Lange Syndrome; Cornelia de Lange syndrome 2. Identifiers: Orphanet 199, MedGen C1802395, MONDO:0010370, OMIM 300590.

Allele frequency attached by ClinVar (database versions not stated): ExAC 0.00001; gnomAD exomes 0.00001 and 0.00002.
gnomAD v4.1: 3 of 1,211,079 alleles (0.00025%); highest among the groups gnomAD compares: Admixed American, 0.0065%; no homozygotes.

Submissions (2):

Labcorp Genetics (formerly Invitae), Labcorp
Classification: Uncertain significance for Congenital muscular hypertrophy-cerebral syndrome. Last evaluated: 2024-06-22. Review status: criteria provided, single submitter. Criteria: Invitae Variant Classification Sherloc (09022015). Collection method: clinical testing. Allele origin: germline.
Comment: This sequence change replaces glutamine, which is neutral and polar, with arginine, which is basic and polar, at codon 931 of the SMC1A protein (p.Gln931Arg). This variant is present in population databases (rs782728089, gnomAD 0.01%). This variant has not been reported in the literature in individuals affected with SMC1A-related conditions. ClinVar contains an entry for this variant (Variation ID: 582909). Advanced modeling of protein sequence and biophysical properties (such as structural, functional, and spatial information, amino acid conservation, physicochemical variation, residue mobility, and thermodynamic stability) performed at Invitae indicates that this missense variant is not expected to disrupt SMC1A protein function with a negative predictive value of 80%. In summary, the available evidence is currently insufficient to determine the role of this variant in disease. Therefore, it has been classified as a Variant of Uncertain Significance.

Fulgent Genetics
Classification: Uncertain significance for Congenital muscular hypertrophy-cerebral syndrome; Developmental and epileptic encephalopathy, 85, with or without midline brain defects. Last evaluated: 2022-03-23. Review status: criteria provided, single submitter. Criteria: ACMG Guidelines, 2015. Collection method: clinical testing. Allele origin: unknown.